The following is an entry in ClinVar:

ClinVar aggregate classification (germline): Uncertain significance (1 of 4 stars; one submission).

Allele frequency attached by ClinVar (database versions not stated): gnomAD exomes below 0.00001.
gnomAD v4.1: 1 of 1,613,942 alleles (0.000062%); highest among the groups gnomAD compares: Non-Finnish European, 0.000085%; no homozygotes.

Submission:

Labcorp Genetics (formerly Invitae), Labcorp
Classification: Uncertain significance. Last evaluated: 2023-08-17. Review status: criteria provided, single submitter. Criteria: Invitae Variant Classification Sherloc (09022015). Collection method: clinical testing. Allele origin: germline.
Comment: In summary, the available evidence is currently insufficient to determine the role of this variant in disease. Therefore, it has been classified as a Variant of Uncertain Significance. Advanced modeling of protein sequence and biophysical properties (such as structural, functional, and spatial information, amino acid conservation, physicochemical variation, residue mobility, and thermodynamic stability) performed at Invitae indicates that this missense variant is expected to disrupt WNT3A protein function. This variant has not been reported in the literature in individuals affected with WNT3A-related conditions. This variant is not present in population databases (gnomAD no frequency). This sequence change replaces tryptophan, which is neutral and slightly polar, with leucine, which is neutral and non-polar, at codon 152 of the WNT3A protein (p.Trp152Leu).

NM_033131.4(WNT3A):c.455G>T (p.Trp152Leu)

Gene: WNT3A (Wnt family member 3A; plus strand). Cytogenetic location: 1q42.13.
Variant type: single nucleotide variant.
Coding change: c.455G>T on transcript NM_033131.4 (MANE Select); coding-DNA position 455, G replaced by T.
Protein change: p.Trp152Leu; replaces tryptophan 152 with leucine.
Molecular consequence: missense variant.
Genome position (GRCh38, 1-based): chr1:228,050,797, G>T. VCF-style: chr1-228050797-G-T. GRCh37 (hg19) VCF-style: chr1-228238498-G-T.
Other names: short protein forms W152L.
Identifiers: ClinVar variation 2956314 (VCV002956314.3), dbSNP rs2464481134, ClinGen allele CA345335866.